The following is an entry in ClinVar:

NM_003482.4(KMT2D):c.8764C>T (p.Arg2922Trp)

Gene: KMT2D (lysine methyltransferase 2D; minus strand). Cytogenetic location: 12q13.12.
Variant type: single nucleotide variant.
Coding change: c.8764C>T on transcript NM_003482.4 (MANE Select); coding-DNA position 8764, C replaced by T.
Protein change: p.Arg2922Trp; replaces arginine 2922 with tryptophan.
Molecular consequence: missense variant.
Genome position (GRCh38, 1-based): chr12:49,038,592, G>A on the plus strand (C>T on the coding strand, the complement: KMT2D is on the minus strand). VCF-style: chr12-49038592-G-A. GRCh37 (hg19) VCF-style: chr12-49432375-G-A.
Other names: c.8764C>T (NM_003482.3); short protein forms R2922W.
Identifiers: ClinVar variation 1494937 (VCV001494937.10), dbSNP rs751964761, ClinGen allele CA6546798.

ClinVar aggregate classification (germline): Benign/Likely benign. Review status: criteria provided, multiple submitters, no conflicts (2 of 4 stars). 3 submissions from 3 submitters: Benign (1); Likely benign (1). 1 of the submissions does not count toward it. Last evaluated 2024-04-20.

Conditions:
Kabuki syndrome 1 (KABUK1). Also called: KMT2D-Related Kabuki Syndrome. Identifiers: Orphanet 2322, MedGen CN030661, MONDO:0007843, OMIM 147920.
Choanal atresia-athelia-hypothyroidism-delayed puberty-short stature syndrome (BCAHH). Also called: BRANCHIAL ARCH ABNORMALITIES, CHOANAL ATRESIA, ATHELIA, HEARING LOSS, AND HYPOTHYROIDISM SYNDROME. Identifiers: Orphanet 589856, MedGen C5680310, MONDO:0035651, OMIM 620186.
KMT2D-related disorder. Also called: KMT2D-Related Disorders.
Kabuki syndrome. Also called: Kabuki make-up syndrome; NIIKAWA-KUROKI SYNDROME. Identifiers: Orphanet 2322, MedGen C0796004, MONDO:0016512.

Allele frequency attached by ClinVar (database versions not stated): gnomAD 0.00001; TOPMed 0.00002; gnomAD exomes 0.00003 and 0.00004; ExAC 0.00006.
gnomAD v4.1: 68 of 1,612,578 alleles (0.0042%); highest among the groups gnomAD compares: Non-Finnish European, 0.005%; no homozygotes.

Submissions (3):

Fulgent Genetics
Classification: Likely benign for Kabuki syndrome 1; Choanal atresia-athelia-hypothyroidism-delayed puberty-short stature syndrome. Last evaluated: 2024-04-20. Review status: criteria provided, single submitter. Criteria: ACMG Guidelines, 2015. Collection method: clinical testing. Allele origin: germline.

Labcorp Genetics (formerly Invitae), Labcorp
Classification: Benign for Kabuki syndrome. Last evaluated: 2023-02-28. Review status: criteria provided, single submitter. Criteria: Invitae Variant Classification Sherloc (09022015). Collection method: clinical testing. Allele origin: germline.

PreventionGenetics, part of Exact Sciences
Classification: Likely benign for KMT2D-related condition. Last evaluated: 2024-05-15. Review status: no assertion criteria provided. Collection method: clinical testing. Allele origin: germline. Not counted in ClinVar's aggregate classification.
Comment: This variant is classified as likely benign based on ACMG/AMP sequence variant interpretation guidelines (Richards et al. 2015 PMID: 25741868, with internal and published modifications).